The following is an entry in ClinVar:

ClinVar aggregate classification (germline): Uncertain significance (1 of 4 stars; one submission).

Conditions:
Familial adenomatous polyposis 1 (FAP1). Also called: FAMILIAL ADENOMATOUS POLYPOSIS 1, ATTENUATED; POLYPOSIS, ADENOMATOUS INTESTINAL. Identifiers: MedGen C2713442, MONDO:0021056, OMIM 175100. Disease mechanism: loss of function.

Allele frequency attached by ClinVar (database versions not stated): ExAC 0.00001.
gnomAD v4.1: 1 of 1,613,990 alleles (0.000062%); highest among the groups gnomAD compares: Admixed American, 0.0017%; no homozygotes.

Submission:

Labcorp Genetics (formerly Invitae), Labcorp
Classification: Uncertain significance for Familial adenomatous polyposis 1. Last evaluated: 2023-03-31. Review status: criteria provided, single submitter. Criteria: Invitae Variant Classification Sherloc (09022015). Collection method: clinical testing. Allele origin: germline.
Comment: This sequence change replaces arginine, which is basic and polar, with lysine, which is basic and polar, at codon 382 of the APC protein (p.Arg382Lys). This variant is present in population databases (rs772381494, gnomAD 0.003%). In summary, the available evidence is currently insufficient to determine the role of this variant in disease. Therefore, it has been classified as a Variant of Uncertain Significance. Advanced modeling of protein sequence and biophysical properties (such as structural, functional, and spatial information, amino acid conservation, physicochemical variation, residue mobility, and thermodynamic stability) performed at Invitae indicates that this missense variant is not expected to disrupt APC protein function. This variant has not been reported in the literature in individuals affected with APC-related conditions.

NM_000038.6(APC):c.1145G>A (p.Arg382Lys)

Gene: APC (APC regulator of Wnt signaling pathway; plus strand). Cytogenetic location: 5q22.2.
Variant type: single nucleotide variant.
Coding change: c.1145G>A on transcript NM_000038.6 (MANE Select); coding-DNA position 1145, G replaced by A.
Protein change: p.Arg382Lys; replaces arginine 382 with lysine.
Molecular consequence: missense variant. On other transcripts: non-coding transcript variant (2), intron variant (15).
Genome position (GRCh38, 1-based): chr5:112,819,177, G>A. VCF-style: chr5-112819177-G-A. GRCh37 (hg19) VCF-style: chr5-112154874-G-A.
Other names: c.1145G>A, p.Arg382Lys (NM_001127510.3, NM_001354895.2, NM_001354896.2 and 4 more transcripts); c.1091G>A, p.Arg364Lys (NM_001127511.3); c.1175G>A, p.Arg392Lys (NM_001354897.2, NM_001407446.1); c.1070G>A, p.Arg357Lys (NM_001354898.2, NM_001407451.1); c.1061G>A, p.Arg354Lys (NM_001354899.2, NM_001407452.1); c.968G>A, p.Arg323Lys (NM_001354900.2, NM_001354901.2, NM_001407453.1); c.296G>A, p.Arg99Lys (NM_001354906.2, NM_001407470.1); c.85-92G>A (NM_001407472.1, NM_001407471.1); and 5 more; short protein forms R354K, R364K, R382K, R392K, R99K, R323K, R357K.
Identifiers: ClinVar variation 2844926 (VCV002844926.3), dbSNP rs772381494, ClinGen allele CA026798.